The following is an entry in ClinVar:

ClinVar aggregate classification (germline): Likely benign (1 of 4 stars; one submission).

Allele frequency attached by ClinVar (database versions not stated): gnomAD 0.00003; TOPMed below 0.00001.
gnomAD v4.1: 4 of 1,445,334 alleles (0.00028%); highest among the groups gnomAD compares: African/African-American, 0.0028%; no homozygotes.

Submission:

GeneDx
Classification: Likely benign. Last evaluated: 2017-09-15. Review status: criteria provided, single submitter. Criteria: GeneDx Variant Classification (06012015). Collection method: clinical testing. Allele origin: germline. Affected: yes.
Comment: This variant is considered likely benign or benign based on one or more of the following criteria: it is a conservative change, it occurs at a poorly conserved position in the protein, it is predicted to be benign by multiple in silico algorithms, and/or has population frequency not consistent with disease.

NM_007215.4(POLG2):c.795+17C>T

Genes: POLG2 (DNA polymerase gamma 2, accessory subunit; minus strand), MILR1 (mast cell immunoglobulin like receptor 1; plus strand). Cytogenetic location: 17q23.3.
Variant type: single nucleotide variant.
Coding change: c.795+17C>T on transcript NM_007215.4 (MANE Select); 17 bases into the intron after coding-DNA position 795, C replaced by T.
Molecular consequence: intron variant.
Genome position (GRCh38, 1-based): chr17:64,492,650, G>A on the plus strand (C>T on the coding strand, the complement: POLG2 is on the minus strand). VCF-style: chr17-64492650-G-A. GRCh37 (hg19) VCF-style: chr17-62488767-G-A.
Identifiers: ClinVar variation 512076 (VCV000512076.1), dbSNP rs1555668715, ClinGen allele CA626879185.